The following is an entry in ClinVar:

ClinVar aggregate classification (germline): Likely benign. Review status: criteria provided, single submitter (1 of 4 stars). 2 submissions from 2 submitters: Likely benign (1). 1 of the submissions does not count toward it. Last evaluated 2024-10-21.

Conditions:
HPCA-related disorder. Also called: HPCA-related condition.

Allele frequency attached by ClinVar (database versions not stated): ExAC 0.00001; gnomAD exomes 0.00001; TOPMed 0.00002; gnomAD 0.00004.
gnomAD v4.1: 25 of 1,614,024 alleles (0.0015%); highest among the groups gnomAD compares: African/African-American, 0.011%; no homozygotes.

Submissions (2):

Labcorp Genetics (formerly Invitae), Labcorp
Classification: Likely benign. Last evaluated: 2024-10-21. Review status: criteria provided, single submitter. Criteria: Invitae Variant Classification Sherloc (09022015). Collection method: clinical testing. Allele origin: germline.

PreventionGenetics, part of Exact Sciences
Classification: Likely benign for HPCA-related condition. Last evaluated: 2019-03-25. Review status: no assertion criteria provided. Collection method: clinical testing. Allele origin: germline. Not counted in ClinVar's aggregate classification.
Comment: This variant is classified as likely benign based on ACMG/AMP sequence variant interpretation guidelines (Richards et al. 2015 PMID: 25741868, with internal and published modifications).

NM_002143.3(HPCA):c.339C>T (p.Asn113=)

Gene: HPCA (hippocalcin; plus strand). Cytogenetic location: 1p35.1.
Variant type: single nucleotide variant.
Coding change: c.339C>T on transcript NM_002143.3 (MANE Select); coding-DNA position 339, C replaced by T.
Protein change: p.Asn113=; no amino-acid change (asparagine 113 retained).
Molecular consequence: synonymous variant.
Genome position (GRCh38, 1-based): chr1:32,889,237, C>T. VCF-style: chr1-32889237-C-T. GRCh37 (hg19) VCF-style: chr1-33354838-C-T.
Other names: c.339C>T (NM_002143.2).
Identifiers: ClinVar variation 2159696 (VCV002159696.6), dbSNP rs575651333, ClinGen allele CA745896.
Genomic context (GRCh38, chr1:32,889,237, plus strand): 5'-GCGCGGCCGCCTGGAGCAGAAGCTCATGTGGGCCTTCAGCATGTATGACCTGGACGGCAA[C>T]GGCTACATCAGCCGGGAGGAGATGCTGGAGATCGTGCAGGTGGGCCCCTGGGCCCCTCAG-3'
Protein context (NP_002134.2, residues 103-123): WAFSMYDLDG[Asn113=]GYISREEMLE